The following is an entry in ClinVar:

ClinVar aggregate classification (germline): Uncertain significance (1 of 4 stars; one submission).

Conditions:
Cardiovascular phenotype. Identifiers: MedGen CN230736.

Submission:

Ambry Genetics
Classification: Uncertain significance for Cardiovascular phenotype. Last evaluated: 2022-03-03. Review status: criteria provided, single submitter. Criteria: Ambry Variant Classification Scheme 2023. Collection method: clinical testing. Allele origin: germline.
Comment: The p.G1264S variant (also known as c.3790G>A), located in coding exon 26 of the ABCA1 gene, results from a G to A substitution at nucleotide position 3790. The glycine at codon 1264 is replaced by serine, an amino acid with similar properties. This amino acid position is conserved. In addition, the in silico prediction for this alteration is inconclusive. Since supporting evidence is limited at this time, the clinical significance of this alteration remains unclear.

NM_005502.4(ABCA1):c.3790G>A (p.Gly1264Ser)

Gene: ABCA1 (ATP binding cassette subfamily A member 1; minus strand). Cytogenetic location: 9q31.1.
Variant type: single nucleotide variant.
Coding change: c.3790G>A on transcript NM_005502.4 (MANE Select); coding-DNA position 3790, G replaced by A.
Protein change: p.Gly1264Ser; replaces glycine 1264 with serine.
Molecular consequence: missense variant.
Genome position (GRCh38, 1-based): chr9:104,814,229, C>T on the plus strand (G>A on the coding strand, the complement: ABCA1 is on the minus strand). VCF-style: chr9-104814229-C-T. GRCh37 (hg19) VCF-style: chr9-107576510-C-T.
Other names: short protein forms G1264S.
Identifiers: ClinVar variation 1734950 (VCV001734950.2), dbSNP rs2538117978, ClinGen allele CA374317767.